The following is an entry in ClinVar:

ClinVar aggregate classification (germline): Uncertain significance (1 of 4 stars; one submission).

Conditions:
Hereditary sensory and autonomic neuropathy type 7. Also called: HSAN VII; Neuropathy, hereditary sensory and autonomic, type VII. Identifiers: Orphanet 391397, MedGen C3809882, MONDO:0014244, OMIM 615548.
Familial episodic pain syndrome with predominantly lower limb involvement. Also called: Episodic pain syndrome, familial, 3. Identifiers: Orphanet 391384, Orphanet 391392, MedGen C3809899, MONDO:0014247, OMIM 615552.

Submission:

Labcorp Genetics (formerly Invitae), Labcorp
Classification: Uncertain significance for Familial episodic pain syndrome with predominantly lower limb involvement; Hereditary sensory and autonomic neuropathy type 7. Last evaluated: 2022-10-29. Review status: criteria provided, single submitter. Criteria: Invitae Variant Classification Sherloc (09022015). Collection method: clinical testing. Allele origin: germline.
Comment: In summary, the available evidence is currently insufficient to determine the role of this variant in disease. Therefore, it has been classified as a Variant of Uncertain Significance. Algorithms developed to predict the effect of sequence changes on RNA splicing suggest that this variant may disrupt the consensus splice site. Advanced modeling of protein sequence and biophysical properties (such as structural, functional, and spatial information, amino acid conservation, physicochemical variation, residue mobility, and thermodynamic stability) performed at Invitae indicates that this missense variant is not expected to disrupt SCN11A protein function. This variant has not been reported in the literature in individuals affected with SCN11A-related conditions. This variant is not present in population databases (gnomAD no frequency). This sequence change replaces aspartic acid, which is acidic and polar, with glycine, which is neutral and non-polar, at codon 186 of the SCN11A protein (p.Asp186Gly).

NM_001349253.2(SCN11A):c.557A>G (p.Asp186Gly)

Gene: SCN11A (sodium voltage-gated channel alpha subunit 11; minus strand). Cytogenetic location: 3p22.2.
Variant type: single nucleotide variant.
Coding change: c.557A>G on transcript NM_001349253.2 (MANE Select); coding-DNA position 557, A replaced by G.
Protein change: p.Asp186Gly; replaces aspartic acid 186 with glycine.
Molecular consequence: missense variant.
Genome position (GRCh38, 1-based): chr3:38,926,863, T>C on the plus strand (A>G on the coding strand, the complement: SCN11A is on the minus strand). VCF-style: chr3-38926863-T-C. GRCh37 (hg19) VCF-style: chr3-38968354-T-C.
Other names: c.557A>G, p.Asp186Gly (NM_014139.3); short protein forms D186G.
Identifiers: ClinVar variation 2941093 (VCV002941093.3), dbSNP rs768885379, ClinGen allele CA352173758.